The following is an entry in ClinVar:

ClinVar aggregate classification (germline): Uncertain significance (1 of 4 stars; one submission).

Conditions:
Aspartylglucosaminuria (AGU). Also called: AGA DEFICIENCY; GLYCOASPARAGINASE; GLYCOSYLASPARAGINASE DEFICIENCY; Aspartylglucos-aminuria; Aspartylglucos-amidase (AGA) deficiency. Identifiers: Orphanet 93, MedGen C0268225, MONDO:0008830, OMIM 208400, HP:0012068.

Allele frequency attached by ClinVar (database versions not stated): gnomAD exomes below 0.00001; TOPMed 0.00001.

Submission:

Labcorp Genetics (formerly Invitae), Labcorp
Classification: Uncertain significance for Aspartylglucosaminuria. Last evaluated: 2023-07-14. Review status: criteria provided, single submitter. Criteria: Invitae Variant Classification Sherloc (09022015). Collection method: clinical testing. Allele origin: germline.
Comment: In summary, the available evidence is currently insufficient to determine the role of this variant in disease. Therefore, it has been classified as a Variant of Uncertain Significance. Variants that disrupt the consensus splice site are a relatively common cause of aberrant splicing (PMID: 17576681, 9536098). Algorithms developed to predict the effect of sequence changes on RNA splicing suggest that this variant is not likely to affect RNA splicing. This variant has not been reported in the literature in individuals affected with AGA-related conditions. This variant is present in population databases (no rsID available, gnomAD no frequency). This sequence change falls in intron 3 of the AGA gene. It does not directly change the encoded amino acid sequence of the AGA protein. It affects a nucleotide within the consensus splice site.

Literature cited by the submitters: PubMed 17576681; PubMed 9536098.

NM_000027.4(AGA):c.394+6T>C

Gene: AGA (aspartylglucosaminidase; minus strand). Cytogenetic location: 4q34.3.
Variant type: single nucleotide variant.
Coding change: c.394+6T>C on transcript NM_000027.4 (MANE Select); 6 bases into the intron after coding-DNA position 394, T replaced by C.
Molecular consequence: intron variant.
Genome position (GRCh38, 1-based): chr4:177,439,570, A>G on the plus strand (T>C on the coding strand, the complement: AGA is on the minus strand). VCF-style: chr4-177439570-A-G. GRCh37 (hg19) VCF-style: chr4-178360724-A-G.
Other names: c.394+6T>C (NM_001171988.2).
Identifiers: ClinVar variation 2885645 (VCV002885645.3), dbSNP rs1277134286, ClinGen allele CA556484573.
Genomic context (GRCh38, chr4:177,439,570, plus strand): 5'-TACTATTTTTCAGTGAAAACTATAGTCAAAAGACTAGAAAAAATTTCAGTGTAGTTAAAA[A>G]AATACCTGACTCTCCTACTAAAAGTGTGTGTGTTGTATGTTCCAGTACTTTCCGTGCCAC-3'